The following is an entry in ClinVar:

ClinVar aggregate classification (germline): Uncertain significance. Review status: criteria provided, multiple submitters, no conflicts (2 of 4 stars). 2 submissions from 2 submitters: Uncertain significance (2). Last evaluated 2023-04-19.

Conditions:
Hereditary cancer-predisposing syndrome. Also called: Hereditary neoplastic syndrome; Tumor predisposition; Neoplastic Syndromes, Hereditary; Hereditary Cancer Syndrome. Identifiers: Orphanet 140162, MedGen C0027672, MeSH D009386, MONDO:0015356.
Gorlin syndrome. Also called: Nevoid Basal Cell Carcinoma Syndrome; Basal cell nevus syndrome. Identifiers: Orphanet 377, MedGen C0004779, MONDO:0007187.

Submissions (2):

Labcorp Genetics (formerly Invitae), Labcorp
Classification: Uncertain significance for Gorlin syndrome. Last evaluated: 2023-04-19. Review status: criteria provided, single submitter. Criteria: Invitae Variant Classification Sherloc (09022015). Collection method: clinical testing. Allele origin: germline.
Comment: This variant is not present in population databases (gnomAD no frequency). In summary, the available evidence is currently insufficient to determine the role of this variant in disease. Therefore, it has been classified as a Variant of Uncertain Significance. Variants that disrupt the consensus splice site are a relatively common cause of aberrant splicing (PMID: 17576681, 9536098). Algorithms developed to predict the effect of sequence changes on RNA splicing suggest that this variant may disrupt the consensus splice site. This variant has not been reported in the literature in individuals affected with PTCH1-related conditions. This sequence change falls in intron 22 of the PTCH1 gene. It does not directly change the encoded amino acid sequence of the PTCH1 protein. It affects a nucleotide within the consensus splice site.

Ambry Genetics
Classification: Uncertain significance for Hereditary cancer-predisposing syndrome. Last evaluated: 2022-12-16. Review status: criteria provided, single submitter. Criteria: Ambry Variant Classification Scheme 2023. Collection method: clinical testing. Allele origin: germline.
Comment: The c.3804+3_3804+6delAAGT intronic variant is located in intron 22 of the PTCH1 gene. This variant results from a deletion of four nucleotides at positions c.3804+3 to c.3804+6. This nucleotide region is well conserved in available vertebrate species. In silico splice site analysis predicts that this alteration will weaken the native splice donor site; however, direct evidence is insufficient at this time (Ambry internal data). Since supporting evidence is limited at this time, the clinical significance of this alteration remains unclear.

Literature cited by the submitters: PubMed 17576681 (cited by Labcorp Genetics (formerly Invitae), Labcorp); PubMed 9536098 (cited by Labcorp Genetics (formerly Invitae), Labcorp).

NM_000264.5(PTCH1):c.3804+3_3804+6del

Gene: PTCH1 (patched 1; minus strand). Cytogenetic location: 9q22.32.
Variant type: Deletion.
Coding change: c.3804+3_3804+6del on transcript NM_000264.5 (MANE Select); bases 3 to 6 of the intron after coding-DNA position 3804, 4 bases deleted (AAGT; older notation c.3804+3_3804+6delAAGT).
Molecular consequence: splice donor variant.
Genome position (GRCh38, 1-based): chr9:95,449,063-95,449,066, ACTT deleted on the plus strand (AAGT on the coding strand, the reverse complement: PTCH1 is on the minus strand); deleting any 4 consecutive bases within chr9:95,449,063-95,449,068 gives the same sequence; the c. name uses the placement nearest the transcript's 3' end. VCF-style (leftmost placement, unchanged base first): chr9-95449062-CACTT-C. GRCh37 (hg19) VCF-style: chr9-98211344-CACTT-C.
Other names: c.3801+3_3801+6del (NM_001083603.3); c.3606+3_3606+6del (NM_001083602.3); c.3648+3_3648+6del (NM_001354918.2); c.3351+3_3351+6del (NM_001083605.3, NM_001083604.3, NM_001083606.3 and 1 more transcripts).
Identifiers: ClinVar variation 2449635 (VCV002449635.5), dbSNP rs2538012045, ClinGen allele CA2580080747.